The following is an entry in ClinVar:

ClinVar aggregate classification (germline): Benign/Likely benign. Review status: criteria provided, multiple submitters, no conflicts (2 of 4 stars). 4 submissions from 4 submitters: Benign (2); Likely benign (2). Last evaluated 2025-04-09.

Conditions:
Hereditary cancer-predisposing syndrome. Also called: Hereditary neoplastic syndrome; Neoplastic Syndromes, Hereditary; Tumor predisposition; Hereditary Cancer Syndrome. Identifiers: Orphanet 140162, MedGen C0027672, MeSH D009386, MONDO:0015356.
Tuberous sclerosis 1 (TSC1). Identifiers: Orphanet 805, MedGen C1854465, MONDO:0008612, OMIM 191100.

Submissions (4):

Myriad Genetics, Inc.
Classification: Benign for Tuberous sclerosis 1. Last evaluated: 2025-04-09. Review status: criteria provided, single submitter. Criteria: Myriad Autosomal Dominant, Autosomal Recessive and X-Linked Classification Criteria (2023). Collection method: clinical testing. Allele origin: unknown.
Comment: This variant is considered benign. This variant is a silent/synonymous amino acid change and it is not expected to impact splicing.

Labcorp Genetics (formerly Invitae), Labcorp
Classification: Likely benign for Tuberous sclerosis 1. Last evaluated: 2022-11-24. Review status: criteria provided, single submitter. Criteria: Invitae Variant Classification Sherloc (09022015). Collection method: clinical testing. Allele origin: germline.

Genome-Nilou Lab
Classification: Benign for Tuberous sclerosis 1. Last evaluated: 2021-11-07. Review status: criteria provided, single submitter. Criteria: ACMG Guidelines, 2015. Collection method: clinical testing. Allele origin: germline. Affected: no.

Ambry Genetics
Classification: Likely benign for Hereditary cancer-predisposing syndrome. Last evaluated: 2019-07-07. Review status: criteria provided, single submitter. Criteria: Ambry Variant Classification Scheme 2023. Collection method: clinical testing. Allele origin: germline.

NM_000368.5(TSC1):c.1338G>A (p.Glu446=)

Gene: TSC1 (TSC complex subunit 1; minus strand). Cytogenetic location: 9q34.13.
Variant type: single nucleotide variant.
Coding change: c.1338G>A on transcript NM_000368.5 (MANE Select); coding-DNA position 1338, G replaced by A.
Protein change: p.Glu446=; no amino-acid change (glutamic acid 446 retained).
Molecular consequence: synonymous variant.
Genome position (GRCh38, 1-based): chr9:132,906,831, C>T on the plus strand (G>A on the coding strand, the complement: TSC1 is on the minus strand). VCF-style: chr9-132906831-C-T. GRCh37 (hg19) VCF-style: chr9-135782218-C-T.
Other names: c.1335G>A, p.Glu445= (NM_001162426.2); c.1185G>A, p.Glu395= (NM_001162427.2); c.975G>A, p.Glu325= (NM_001362177.2).
Identifiers: ClinVar variation 466026 (VCV000466026.18), dbSNP rs1410493156, ClinGen allele CA467591977.